The following is an entry in ClinVar:

ClinVar aggregate classification (germline): Uncertain significance. Review status: criteria provided, multiple submitters, no conflicts (2 of 4 stars). 2 submissions from 2 submitters: Uncertain significance (2). Last evaluated 2025-01-17.

Conditions:
Inborn genetic diseases. Identifiers: MedGen C0950123, MeSH D030342.
Pulmonary hypertension, primary, 4. Identifiers: Orphanet 422, MedGen C3809198, MONDO:0014136, OMIM 615344.

Submissions (2):

Labcorp Genetics (formerly Invitae), Labcorp
Classification: Uncertain significance for Pulmonary hypertension, primary, 4. Last evaluated: 2025-01-17. Review status: criteria provided, single submitter. Criteria: Invitae Variant Classification Sherloc (09022015). Collection method: clinical testing. Allele origin: germline.
Comment: This sequence change replaces isoleucine, which is neutral and non-polar, with valine, which is neutral and non-polar, at codon 325 of the KCNK3 protein (p.Ile325Val). This variant is present in population databases (rs746830880, gnomAD 0.008%). This variant has not been reported in the literature in individuals affected with KCNK3-related conditions. ClinVar contains an entry for this variant (Variation ID: 1376424). An algorithm developed to predict the effect of missense changes on protein structure and function (PolyPhen-2) suggests that this variant is likely to be tolerated. In summary, the available evidence is currently insufficient to determine the role of this variant in disease. Therefore, it has been classified as a Variant of Uncertain Significance.

Ambry Genetics
Classification: Uncertain significance for Inborn genetic diseases. Last evaluated: 2024-01-22. Review status: criteria provided, single submitter. Criteria: Ambry Variant Classification Scheme 2023. Collection method: clinical testing. Allele origin: germline.

NM_002246.3(KCNK3):c.973A>G (p.Ile325Val)

Gene: KCNK3 (potassium two pore domain channel subfamily K member 3; plus strand). Cytogenetic location: 2p23.3.
Variant type: single nucleotide variant.
Coding change: c.973A>G on transcript NM_002246.3 (MANE Select); coding-DNA position 973, A replaced by G.
Protein change: p.Ile325Val; replaces isoleucine 325 with valine.
Molecular consequence: missense variant.
Genome position (GRCh38, 1-based): chr2:26,728,356, A>G. VCF-style: chr2-26728356-A-G. GRCh37 (hg19) VCF-style: chr2-26951224-A-G.
Other names: c.973A>G (NM_002246.2); short protein forms I325V.
Identifiers: ClinVar variation 1376424 (VCV001376424.7), dbSNP rs746830880, ClinGen allele CA1565580.